The following is an entry in ClinVar:

NM_000094.4(COL7A1):c.3088_3092delinsTCAGGA (p.Pro1030fs)

Gene: COL7A1 (collagen type VII alpha 1 chain; minus strand). Cytogenetic location: 3p21.31.
Variant type: Indel.
Coding change: c.3088_3092delinsTCAGGA on transcript NM_000094.4 (MANE Select); coding-DNA positions 3088 to 3092, CCTGT replaced by TCAGGA.
Protein change: p.Pro1030fs; shifts the reading frame from proline 1030.
Molecular consequence: frameshift variant.
Genome position (GRCh38, 1-based): chr3:48,587,237-48,587,241, ACAGG replaced by TCCTGA on the plus strand (CCTGT replaced by TCAGGA on the coding strand, the reverse complement: COL7A1 is on the minus strand). VCF-style: chr3-48587237-ACAGG-TCCTGA. GRCh37 (hg19) VCF-style: chr3-48624670-ACAGG-TCCTGA.
Other names: short protein forms P1030fs.
Identifiers: ClinVar variation 2700362 (VCV002700362.3), dbSNP rs2531227718, ClinGen allele CA2586972245.
Genomic context (GRCh38, chr3:48,587,237, plus strand): 5'-ACGCCCACTATACCTGGCGTCTGTGTGACAGATGCCTCAGGACCCCGCACACCATCCAGG[ACAGG>TCCTGA]CGTCAGGGAGAAGATGTAAGAGACGCCAGGCTCTAGCCCTGTCACCCGCTGGGAGCTTGA-3'

ClinVar aggregate classification (germline): Pathogenic (1 of 4 stars; one submission).

Submission:

Labcorp Genetics (formerly Invitae), Labcorp
Classification: Pathogenic. Last evaluated: 2023-12-02. Review status: criteria provided, single submitter. Criteria: Invitae Variant Classification Sherloc (09022015). Collection method: clinical testing. Allele origin: germline.
Comment: This sequence change creates a premature translational stop signal (p.Pro1030Serfs*10) in the COL7A1 gene. It is expected to result in an absent or disrupted protein product. Loss-of-function variants in COL7A1 are known to be pathogenic (PMID: 16971478). Information on the frequency of this variant in the gnomAD database is not available, as this variant may be reported differently in the database. This premature translational stop signal has been observed in individual(s) with autosomal recessive dystrophic epidermolysis bullosa (PMID: 16271705). This variant is also known as 3088delCCTGTinsTCAGGA. For these reasons, this variant has been classified as Pathogenic.

Literature cited by the submitters: PubMed 16971478; PubMed 16271705.